The following is an entry in ClinVar:

ClinVar aggregate classification (germline): Uncertain significance (1 of 4 stars; one submission).

Submission:

Labcorp Genetics (formerly Invitae), Labcorp
Classification: Uncertain significance. Last evaluated: 2024-07-10. Review status: criteria provided, single submitter. Criteria: Invitae Variant Classification Sherloc (09022015). Collection method: clinical testing. Allele origin: germline.
Comment: This sequence change replaces asparagine, which is neutral and polar, with threonine, which is neutral and polar, at codon 1643 of the DCHS1 protein (p.Asn1643Thr). This variant is not present in population databases (gnomAD no frequency). This variant has not been reported in the literature in individuals affected with DCHS1-related conditions. Advanced modeling of protein sequence and biophysical properties (such as structural, functional, and spatial information, amino acid conservation, physicochemical variation, residue mobility, and thermodynamic stability) performed at Invitae indicates that this missense variant is not expected to disrupt DCHS1 protein function with a negative predictive value of 80%. In summary, the available evidence is currently insufficient to determine the role of this variant in disease. Therefore, it has been classified as a Variant of Uncertain Significance.

NM_003737.4(DCHS1):c.4928A>C (p.Asn1643Thr)

Gene: DCHS1 (dachsous cadherin-related 1; minus strand). Cytogenetic location: 11p15.4.
Variant type: single nucleotide variant.
Coding change: c.4928A>C on transcript NM_003737.4 (MANE Select); coding-DNA position 4928, A replaced by C.
Protein change: p.Asn1643Thr; replaces asparagine 1643 with threonine.
Molecular consequence: missense variant.
Genome position (GRCh38, 1-based): chr11:6,629,779, T>G on the plus strand (A>C on the coding strand, the complement: DCHS1 is on the minus strand). VCF-style: chr11-6629779-T-G. GRCh37 (hg19) VCF-style: chr11-6651010-T-G.
Other names: short protein forms N1643T.
Identifiers: ClinVar variation 3659134 (VCV003659134.2).